The following is an entry in ClinVar:

NM_001035.3(RYR2):c.2573C>A (p.Thr858Lys)

Gene: RYR2 (ryanodine receptor 2; plus strand). Cytogenetic location: 1q43.
Variant type: single nucleotide variant.
Coding change: c.2573C>A on transcript NM_001035.3 (MANE Select); coding-DNA position 2573, C replaced by A.
Protein change: p.Thr858Lys; replaces threonine 858 with lysine.
Molecular consequence: missense variant.
Genome position (GRCh38, 1-based): chr1:237,503,465, C>A. VCF-style: chr1-237503465-C-A. GRCh37 (hg19) VCF-style: chr1-237666765-C-A.
Other names: short protein forms T858K.
Identifiers: ClinVar variation 2774270 (VCV002774270.3), dbSNP rs377068202, ClinGen allele CA345379528.

ClinVar aggregate classification (germline): Uncertain significance. Review status: criteria provided, multiple submitters, no conflicts (2 of 4 stars). 2 submissions from 2 submitters: Uncertain significance (2). Last evaluated 2024-07-29.

Conditions:
Catecholaminergic polymorphic ventricular tachycardia (CVPT). Also called: Catecholamine-induced polymorphic ventricular tachycardia. Identifiers: Orphanet 3286, MedGen C5574922, MONDO:0017990.
Cardiomyopathy (CMYO). Also called: Cardiomyopathies. Identifiers: Orphanet 167848, MedGen C0878544, MONDO:0004994, HP:0001638. Inheritance: Various modes of inheritance.

Submissions (2):

Color Diagnostics, LLC DBA Color Health
Classification: Uncertain significance for Cardiomyopathy. Last evaluated: 2024-07-29. Review status: criteria provided, single submitter. Criteria: ACMG Guidelines, 2015. Collection method: clinical testing. Allele origin: germline.
Comment: This missense variant replaces threonine with lysine at codon 858 of the RYR2 protein. Computational prediction tools indicate that this variant has a neutral impact on protein structure and function. To our knowledge, functional studies have not been reported for this variant. This variant has not been reported in individuals affected with RYR2-related disorders in the literature. This variant has not been identified in the general population by the Genome Aggregation Database (gnomAD). The available evidence is insufficient to determine the role of this variant in disease conclusively. Therefore, this variant is classified as a Variant of Uncertain Significance.

All of Us Research Program, National Institutes of Health
Classification: Uncertain significance for Catecholaminergic polymorphic ventricular tachycardia. Last evaluated: 2023-04-28. Review status: criteria provided, single submitter. Criteria: ACMG Guidelines, 2015. Collection method: clinical testing. Allele origin: germline. Inheritance: Autosomal dominant inheritance. Observed: 1 variant allele, 1 heterozygote.
Comment: This missense variant replaces threonine with lysine at codon 858 of the RYR2 protein. Computational prediction suggests that this variant may not impact protein structure and function (internally defined REVEL score threshold <= 0.5, PMID: 27666373). To our knowledge, functional studies have not been reported for this variant. This variant has not been reported in individuals affected with RYR2-related disorders in the literature. This variant has not been identified in the general population by the Genome Aggregation Database (gnomAD). The available evidence is insufficient to determine the role of this variant in disease conclusively. Therefore, this variant is classified as a Variant of Uncertain Significance.

This study involves interpretation of variants in research participants for the purpose of population health screening. Participant phenotype was not available at the time of variant classification. Additional details can be found in publication PMID: 35346344, PMCID: PMC8962531